The following is an entry in ClinVar:

ClinVar aggregate classification (germline): Uncertain significance. Review status: criteria provided, multiple submitters, no conflicts (2 of 4 stars). 2 submissions from 2 submitters: Uncertain significance (2). Last evaluated 2025-03-30.

Conditions:
Inborn genetic diseases. Identifiers: MedGen C0950123, MeSH D030342.

Allele frequency attached by ClinVar (database versions not stated): gnomAD exomes 0.00002; ExAC 0.00003; gnomAD 0.00005; TOPMed 0.00009; 1000 Genomes Project 30x 0.00016; ESP Exome Variant Server 0.00017; 1000 Genomes Project 0.00020.
gnomAD v4.1: 34 of 1,612,936 alleles (0.0021%); highest among the groups gnomAD compares: Admixed American, 0.0067%; no homozygotes.

Submissions (2):

Ambry Genetics
Classification: Uncertain significance for Inborn genetic diseases. Last evaluated: 2025-03-30. Review status: criteria provided, single submitter. Criteria: Ambry Variant Classification Scheme 2023. Collection method: clinical testing. Allele origin: germline.

Labcorp Genetics (formerly Invitae), Labcorp
Classification: Uncertain significance. Last evaluated: 2022-10-25. Review status: criteria provided, single submitter. Criteria: Invitae Variant Classification Sherloc (09022015). Collection method: clinical testing. Allele origin: germline.
Comment: In summary, the available evidence is currently insufficient to determine the role of this variant in disease. Therefore, it has been classified as a Variant of Uncertain Significance. Algorithms developed to predict the effect of missense changes on protein structure and function (SIFT, PolyPhen-2, Align-GVGD) all suggest that this variant is likely to be disruptive. This variant has not been reported in the literature in individuals affected with TBC1D32-related conditions. This variant is present in population databases (rs182549460, gnomAD 0.006%). This sequence change replaces cysteine, which is neutral and slightly polar, with arginine, which is basic and polar, at codon 986 of the TBC1D32 protein (p.Cys986Arg).

NM_152730.6(TBC1D32):c.2956T>C (p.Cys986Arg)

Gene: TBC1D32 (TBC1 domain family member 32; minus strand). Cytogenetic location: 6q22.31.
Variant type: single nucleotide variant.
Coding change: c.2956T>C on transcript NM_152730.6 (MANE Select); coding-DNA position 2956, T replaced by C.
Protein change: p.Cys986Arg; replaces cysteine 986 with arginine.
Molecular consequence: missense variant. On other transcripts: non-coding transcript variant (1).
Genome position (GRCh38, 1-based): chr6:121,126,405, A>G on the plus strand (T>C on the coding strand, the complement: TBC1D32 is on the minus strand). VCF-style: chr6-121126405-A-G. GRCh37 (hg19) VCF-style: chr6-121447551-A-G.
Other names: c.3079T>C, p.Cys1027Arg (NM_001367759.1, NM_001367760.1); c.2956T>C (NM_152730.4); short protein forms C1027R, C986R.
Identifiers: ClinVar variation 2978364 (VCV002978364.4), dbSNP rs182549460, ClinGen allele CA3980605.
Genomic context (GRCh38, chr6:121,126,405, plus strand): 5'-TCTTTTTCAAACTTCACAATGTTTAAAATGTACCTGTATACTCCACTGAAGGGAAGTAGC[A>G]TTCAGATGGGCTTTCAGTGAGATGAAGCACAAATTTTTCAAGTAATTCTATTAAGGCTGT-3'
Protein context (NP_689943.4, residues 976-996): VLHLTESPSE[Cys986Arg]YFPSVEYTAT